The following is an entry in ClinVar:

NM_018718.3(CEP41):c.893A>G (p.Asn298Ser)

Gene: CEP41 (centrosomal protein 41; minus strand). Cytogenetic location: 7q32.2.
Variant type: single nucleotide variant.
Coding change: c.893A>G on transcript NM_018718.3 (MANE Select); coding-DNA position 893, A replaced by G.
Protein change: p.Asn298Ser; replaces asparagine 298 with serine.
Molecular consequence: missense variant. On other transcripts: non-coding transcript variant (1), intron variant (2).
Genome position (GRCh38, 1-based): chr7:130,400,119, T>C on the plus strand (A>G on the coding strand, the complement: CEP41 is on the minus strand). VCF-style: chr7-130400119-T-C. GRCh37 (hg19) VCF-style: chr7-130039960-T-C.
Other names: c.709+588A>G (NM_001257159.2); c.757+588A>G (NM_001257158.2); short protein forms N298S.
Identifiers: ClinVar variation 1387904 (VCV001387904.3), dbSNP rs2117552201, ClinGen allele CA369287088.

ClinVar aggregate classification (germline): Uncertain significance (1 of 4 stars; one submission).

Conditions:
Joubert syndrome 15 (JBTS15). Identifiers: Orphanet 475, MedGen C3280897, MONDO:0013763, OMIM 614464.

Submission:

Labcorp Genetics (formerly Invitae), Labcorp
Classification: Uncertain significance for Joubert syndrome 15. Last evaluated: 2022-08-23. Review status: criteria provided, single submitter. Criteria: Invitae Variant Classification Sherloc (09022015). Collection method: clinical testing. Allele origin: germline.
Comment: This sequence change replaces asparagine, which is neutral and polar, with serine, which is neutral and polar, at codon 298 of the CEP41 protein (p.Asn298Ser). This variant is not present in population databases (gnomAD no frequency). This variant has not been reported in the literature in individuals affected with CEP41-related conditions. ClinVar contains an entry for this variant (Variation ID: 1387904). Algorithms developed to predict the effect of missense changes on protein structure and function (SIFT, PolyPhen-2, Align-GVGD) all suggest that this variant is likely to be tolerated. Algorithms developed to predict the effect of sequence changes on RNA splicing suggest that this variant may create or strengthen a splice site. In summary, the available evidence is currently insufficient to determine the role of this variant in disease. Therefore, it has been classified as a Variant of Uncertain Significance.